The following is an entry in ClinVar:

ClinVar aggregate classification (germline): Likely benign (1 of 4 stars; one submission).

gnomAD v4.1: 153 of 1,612,944 alleles (0.0095%); highest among the groups gnomAD compares: African/African-American, 0.18%; 1 homozygote.

Submission:

Molecular Diagnostic Laboratory for Inherited Cardiovascular Disease, Montreal Heart Institute
Classification: Likely benign. Last evaluated: 2025-04-09. Review status: criteria provided, single submitter. Criteria: ACMG Guidelines, 2015. Collection method: clinical testing. Allele origin: germline. Affected: no.
Comment: BS1;BP7

NM_005070.4(SLC4A3):c.387G>A (p.Glu129=)

Gene: SLC4A3 (solute carrier family 4 member 3; plus strand). Cytogenetic location: 2q35.
Variant type: single nucleotide variant.
Coding change: c.387G>A on transcript NM_005070.4 (MANE Select); coding-DNA position 387, G replaced by A.
Protein change: p.Glu129=; no amino-acid change (glutamic acid 129 retained).
Molecular consequence: synonymous variant. On other transcripts: non-coding transcript variant (1).
Genome position (GRCh38, 1-based): chr2:219,629,313, G>A. VCF-style: chr2-219629313-G-A. GRCh37 (hg19) VCF-style: chr2-220494035-G-A.
Other names: c.387G>A, p.Glu129= (NM_001326559.2, NM_201574.3).
Identifiers: ClinVar variation 3895072 (VCV003895072.1), dbSNP rs140733778.
Genomic context (GRCh38, chr2:219,629,313, plus strand): 5'-GAGGAAGAAGGAGAAAACCTCTGCTCCTCCCTCCGAGGGGACCCCTCCCATCCAGGAGGA[G>A]GGGGGAGCTGGAGTGGATGAGGAAGAGGAGGAAGAGGAGGAAGAGGAAGGAGAATCTGAG-3'
Protein context (NP_005061.3, residues 119-139): PSEGTPPIQE[Glu129=]GGAGVDEEEE